The following is an entry in ClinVar:

ClinVar aggregate classification (germline): Benign. Review status: criteria provided, multiple submitters, no conflicts (2 of 4 stars). 12 submissions from 12 submitters: Benign (10). 2 of the submissions do not count toward it. Last evaluated 2026-02-04.

Conditions:
Noonan syndrome 8 (NS8). Identifiers: Orphanet 648, MedGen C3809233, MONDO:0014143, OMIM 615355.

Allele frequency attached by ClinVar (database versions not stated): 1000 Genomes Project 30x 0.77124; 1000 Genomes Project 0.77975; ESP Exome Variant Server 0.79340; TOPMed 0.80223; gnomAD 0.80479 and 0.81135; ExAC 0.87719; gnomAD exomes 0.88646 and 0.91224.
gnomAD v4.1: 1,454,886 of 1,613,008 alleles (90%); highest among the groups gnomAD compares: East Asian, 94%; 662,209 homozygotes.

Submissions (12):

Labcorp Genetics (formerly Invitae), Labcorp
Classification: Benign for Noonan syndrome 8. Last evaluated: 2026-02-04. Review status: criteria provided, single submitter. Criteria: Invitae Variant Classification Sherloc (09022015). Collection method: clinical testing. Allele origin: germline.

Molecular Diagnostic Laboratory for Inherited Cardiovascular Disease, Montreal Heart Institute
Classification: Benign. Last evaluated: 2025-04-09. Review status: criteria provided, single submitter. Criteria: ACMG Guidelines, 2015. Collection method: clinical testing. Allele origin: germline. Affected: no.

Blueprint Genetics
Classification: Benign. Last evaluated: 2024-11-26. Review status: criteria provided, single submitter. Criteria: ACMG Guidelines, 2015. Collection method: clinical testing. Allele origin: germline.

Mayo Clinic Laboratories, Mayo Clinic
Classification: Benign. Last evaluated: 2022-04-26. Review status: criteria provided, single submitter. Criteria: ACMG Guidelines, 2015. Collection method: clinical testing. Allele origin: germline. Observed: 1,025 variant alleles.

Genome-Nilou Lab
Classification: Benign for Noonan syndrome 8. Last evaluated: 2021-11-07. Review status: criteria provided, single submitter. Criteria: ACMG Guidelines, 2015. Collection method: clinical testing. Allele origin: germline. Affected: no.

Women's Health and Genetics/Laboratory Corporation of America, LabCorp
Classification: Benign. Last evaluated: 2017-07-04. Review status: criteria provided, single submitter. Criteria: LabCorp Variant Classification Summary - May 2015. Collection method: clinical testing. Allele origin: germline.
Comment: Variant summary: The RIT1 c.430-7C>T variant involves the alteration of a non-conserved intronic nucleotide. Mutation taster predicts a benign outcome for this variant. 5/5 splice prediction tools predict no significant impact on normal splicing. This variant was found in 106445/121348 control chromosomes (47428 homozygotes) at a frequency of 0.8771879, which is approximately 70175 times the estimated maximal expected allele frequency of a pathogenic RIT1 variant (0.0000125), therefore it is a very common polymorphism found in general population. Based on the allele frequency of this variant in general population, it is classified as benign.

Eurofins Ntd Llc (ga)
Classification: Benign. Last evaluated: 2015-08-17. Review status: criteria provided, single submitter. Criteria: EGL Classification Definitions 2015. Collection method: clinical testing. Allele origin: germline. Observed: 64 variant alleles, 8 heterozygotes, 56 homozygotes.

Laboratory for Molecular Medicine, Mass General Brigham Personalized Medicine
Classification: Benign. Last evaluated: 2014-11-24. Review status: criteria provided, single submitter. Criteria: LMM Criteria. Collection method: clinical testing. Allele origin: germline. Observed: 500 variant alleles.
Comment: 481-7C>T in intron 5 of RIT1: This variant is not expected to have clinical sign ificance because it has been identified in 45.4% (2001/4406) of African American chromosomes from a broad population by the NHLBI Exome Sequencing Project (dbSNP rs1749409).

Breakthrough Genomics
Classification: Benign. Review status: criteria provided, single submitter. Criteria: ACMG Guidelines, 2015. Collection method: not provided. Allele origin: germline. Inheritance: Autosomal dominant inheritance. Affected: yes.

PreventionGenetics, part of Exact Sciences
Classification: Benign. Review status: criteria provided, single submitter. Criteria: ACMG Guidelines, 2015. Collection method: clinical testing. Allele origin: germline.

Clinical Genetics, Academic Medical Center
Classification: Benign. Review status: no assertion criteria provided. Collection method: clinical testing. Allele origin: germline. Affected: yes. Study: VKGL Data-share Consensus. Not counted in ClinVar's aggregate classification.

Diagnostic Laboratory, Department of Genetics, University Medical Center Groningen
Classification: Benign. Review status: no assertion criteria provided. Collection method: clinical testing. Allele origin: germline. Affected: yes. Study: VKGL Data-share Consensus. Not counted in ClinVar's aggregate classification.

NM_006912.6(RIT1):c.430-7C>T

Gene: RIT1 (Ras like without CAAX 1; minus strand). Cytogenetic location: 1q22.
Variant type: single nucleotide variant.
Coding change: c.430-7C>T on transcript NM_006912.6 (MANE Select); 7 bases into the intron before coding-DNA position 430, C replaced by T.
Molecular consequence: intron variant.
Genome position (GRCh38, 1-based): chr1:155,900,625, G>A on the plus strand (C>T on the coding strand, the complement: RIT1 is on the minus strand). VCF-style: chr1-155900625-G-A. GRCh37 (hg19) VCF-style: chr1-155870416-G-A.
Other names: p.?; c.322-7C>T (NM_001256820.2); c.481-7C>T (NM_001256821.2).
Identifiers: ClinVar variation 181519 (VCV000181519.27), dbSNP rs1749409, ClinGen allele CA203304.